The following is an entry in ClinVar:

ClinVar aggregate classification (germline): Conflicting classifications of pathogenicity. Review status: criteria provided, conflicting classifications (1 of 4 stars). 4 submissions from 4 submitters: Uncertain significance (3); Benign (1). Last evaluated 2026-01-05.

Conditions:
Hereditary nonpolyposis colorectal neoplasms. Identifiers: MedGen C0009405, MeSH D003123.
Hereditary cancer-predisposing syndrome. Also called: Hereditary neoplastic syndrome; Tumor predisposition; Hereditary Cancer Syndrome; Neoplastic Syndromes, Hereditary. Identifiers: Orphanet 140162, MedGen C0027672, MeSH D009386, MONDO:0015356.

Allele frequency attached by ClinVar (database versions not stated): gnomAD exomes below 0.00001.

Submissions (4):

Labcorp Genetics (formerly Invitae), Labcorp
Classification: Benign for Hereditary nonpolyposis colorectal neoplasms. Last evaluated: 2026-01-05. Review status: criteria provided, single submitter. Criteria: Invitae Variant Classification Sherloc (09022015). Collection method: clinical testing. Allele origin: germline.

Ambry Genetics
Classification: Uncertain significance for Hereditary cancer-predisposing syndrome. Last evaluated: 2025-09-18. Review status: criteria provided, single submitter. Criteria: Ambry Variant Classification Scheme 2023. Collection method: clinical testing. Allele origin: germline.
Comment: The p.S91L variant (also known as c.272C>T), located in coding exon 2 of the MSH6 gene, results from a C to T substitution at nucleotide position 272. The serine at codon 91 is replaced by leucine, an amino acid with dissimilar properties. This variant was reported in individual(s) with features consistent with MSH6-related Lynch syndrome (Ambry internal data). This amino acid position is well conserved in available vertebrate species. In addition, this alteration is predicted to be tolerated by in silico analysis. Based on the available evidence, the clinical significance of this variant remains unclear.

Color Diagnostics, LLC DBA Color Health
Classification: Uncertain significance for Hereditary cancer-predisposing syndrome. Last evaluated: 2025-06-20. Review status: criteria provided, single submitter. Criteria: ACMG Guidelines, 2015. Collection method: clinical testing. Allele origin: germline.
Comment: This missense variant replaces serine with leucine at codon 91 of the MSH6 protein. Computational prediction suggests that this variant may not impact protein structure and function. To our knowledge, functional studies have not been reported for this variant. This variant has not been reported in individuals affected with MSH6-related disorders in the literature. This variant has not been identified in the general population by the Genome Aggregation Database (gnomAD). The available evidence is insufficient to determine the role of this variant in disease conclusively. Therefore, this variant is classified as a Variant of Uncertain Significance.

GeneDx
Classification: Uncertain significance. Last evaluated: 2019-06-18. Review status: criteria provided, single submitter. Criteria: GeneDx Variant Classification Process June 2021. Collection method: clinical testing. Allele origin: germline. Affected: yes.
Comment: Not observed in large population cohorts (Lek et al., 2016); In silico analysis, which includes protein predictors and evolutionary conservation, supports that this variant does not alter protein structure/function; Has not been previously published as pathogenic or benign to our knowledge

NM_000179.3(MSH6):c.272C>T (p.Ser91Leu)

Gene: MSH6 (mutS homolog 6; plus strand). Cytogenetic location: 2p16.3.
Variant type: single nucleotide variant.
Coding change: c.272C>T on transcript NM_000179.3 (MANE Select); coding-DNA position 272, C replaced by T.
Protein change: p.Ser91Leu; replaces serine 91 with leucine.
Molecular consequence: missense variant. On other transcripts: 5 prime UTR variant (2), intron variant (1).
Genome position (GRCh38, 1-based): chr2:47,790,938, C>T. VCF-style: chr2-47790938-C-T. GRCh37 (hg19) VCF-style: chr2-48018077-C-T.
Other names: c.-465C>T (NM_001281493.2); c.-631C>T (NM_001281494.2); c.237+7468C>T (NM_001281492.2); short protein forms S91L.
Identifiers: ClinVar variation 220513 (VCV000220513.16), dbSNP rs864622559, ClinGen allele CA348676.